The following is an entry in ClinVar:

NM_024757.5(EHMT1):c.2867+5G>A

Gene: EHMT1 (euchromatic histone lysine methyltransferase 1; plus strand). Cytogenetic location: 9q34.3.
Variant type: single nucleotide variant.
Coding change: c.2867+5G>A on transcript NM_024757.5 (MANE Select); 5 bases into the intron after coding-DNA position 2867, G replaced by A.
Molecular consequence: intron variant.
Genome position (GRCh38, 1-based): chr9:137,811,620, G>A. VCF-style: chr9-137811620-G-A. GRCh37 (hg19) VCF-style: chr9-140706072-G-A.
Other names: c.2846+5G>A (NM_001354263.2).
Identifiers: ClinVar variation 265655 (VCV000265655.7), dbSNP rs886039703, ClinGen allele CA10588474.

ClinVar aggregate classification (germline): Conflicting classifications of pathogenicity. Review status: criteria provided, conflicting classifications (1 of 4 stars). 2 submissions from 2 submitters: Pathogenic (1); Uncertain significance (1). Last evaluated 2021-12-22.

Conditions:
Kleefstra syndrome 1 (KLEFS1). Identifiers: Orphanet 261494, MedGen C0795833, MONDO:0027407, OMIM 610253.

Submissions (2):

GeneDx
Classification: Pathogenic. Last evaluated: 2021-12-22. Review status: criteria provided, single submitter. Criteria: GeneDx Variant Classification Process June 2021. Collection method: clinical testing. Allele origin: germline. Affected: yes.
Comment: Intronic +5 splice site variant in a gene for which loss-of-function is a known mechanism of disease, and splice predictors support a deleterious effect; Not observed in large population cohorts (Lek et al., 2016); Has not been previously published as pathogenic or benign to our knowledge

Revvity Omics, Revvity
Classification: Uncertain significance for Kleefstra syndrome 1. Last evaluated: 2021-01-06. Review status: criteria provided, single submitter. Criteria: ACMG Guidelines, 2015. Collection method: clinical testing. Allele origin: germline.